The following is an entry in ClinVar:

NM_152415.3(VPS37A):c.874G>T (p.Ala292Ser)

Gene: VPS37A (VPS37A subunit of ESCRT-I; plus strand). Cytogenetic location: 8p22.
Variant type: single nucleotide variant.
Coding change: c.874G>T on transcript NM_152415.3 (MANE Select); coding-DNA position 874, G replaced by T.
Protein change: p.Ala292Ser; replaces alanine 292 with serine.
Molecular consequence: missense variant.
Genome position (GRCh38, 1-based): chr8:17,280,271, G>T. VCF-style: chr8-17280271-G-T. GRCh37 (hg19) VCF-style: chr8-17137780-G-T.
Other names: c.799G>T, p.Ala267Ser (NM_001145152.2); c.874G>T, p.Ala292Ser (NM_001363167.1, NM_001363173.2); c.604G>T, p.Ala202Ser (NM_001363168.1, NM_001363169.1, NM_001363170.1 and 2 more transcripts); short protein forms A202S, A267S, A292S.
Identifiers: ClinVar variation 1516806 (VCV001516806.6), dbSNP rs776392994, ClinGen allele CA4643532.

ClinVar aggregate classification (germline): Uncertain significance (1 of 4 stars; one submission).

Conditions:
Hereditary spastic paraplegia 53. Also called: Spastic paraplegia 53, autosomal recessive. Identifiers: Orphanet 319199, MedGen C3539494, MONDO:0013962, OMIM 614898.

Allele frequency attached by ClinVar (database versions not stated): ExAC 0.00001.
gnomAD v4.1: 4 of 1,612,702 alleles (0.00025%); highest among the groups gnomAD compares: Admixed American, 0.0017%; no homozygotes.

Submission:

Labcorp Genetics (formerly Invitae), Labcorp
Classification: Uncertain significance for Hereditary spastic paraplegia 53. Last evaluated: 2023-07-07. Review status: criteria provided, single submitter. Criteria: Invitae Variant Classification Sherloc (09022015). Collection method: clinical testing. Allele origin: germline.
Comment: In summary, the available evidence is currently insufficient to determine the role of this variant in disease. Therefore, it has been classified as a Variant of Uncertain Significance. Advanced modeling of protein sequence and biophysical properties (such as structural, functional, and spatial information, amino acid conservation, physicochemical variation, residue mobility, and thermodynamic stability) performed at Invitae indicates that this missense variant is not expected to disrupt VPS37A protein function. ClinVar contains an entry for this variant (Variation ID: 1516806). This variant has not been reported in the literature in individuals affected with VPS37A-related conditions. This variant is present in population databases (rs776392994, gnomAD 0.0009%). This sequence change replaces alanine, which is neutral and non-polar, with serine, which is neutral and polar, at codon 292 of the VPS37A protein (p.Ala292Ser).